The following is an entry in ClinVar:

ClinVar aggregate classification (germline): Uncertain significance. Review status: criteria provided, multiple submitters, no conflicts (2 of 4 stars). 2 submissions from 2 submitters: Uncertain significance (2). Last evaluated 2021-11-01.

Conditions:
Hypertrophic cardiomyopathy. Also called: HYPERTROPHIC MYOCARDIOPATHY. Identifiers: Orphanet 217569, MedGen C0007194, MeSH D002312, MONDO:0005045, HP:0001639.

Submissions (2):

Labcorp Genetics (formerly Invitae), Labcorp
Classification: Uncertain significance for Hypertrophic cardiomyopathy. Last evaluated: 2021-11-01. Review status: criteria provided, single submitter. Criteria: Invitae Variant Classification Sherloc (09022015). Collection method: clinical testing. Allele origin: germline.
Comment: In summary, the available evidence is currently insufficient to determine the role of this variant in disease. Therefore, it has been classified as a Variant of Uncertain Significance. Algorithms developed to predict the effect of missense changes on protein structure and function (SIFT, PolyPhen-2, Align-GVGD) all suggest that this variant is likely to be disruptive. ClinVar contains an entry for this variant (Variation ID: 180999). This missense change has been observed in individual(s) with hypertrophic cardiomyopathy (PMID: 29121657). This variant is not present in population databases (gnomAD no frequency). This sequence change replaces leucine, which is neutral and non-polar, with proline, which is neutral and non-polar, at codon 1030 of the MYBPC3 protein (p.Leu1030Pro).

GeneDx
Classification: Uncertain significance. Last evaluated: 2017-01-06. Review status: criteria provided, single submitter. Criteria: GeneDx Variant Classification (06012015). Collection method: clinical testing. Allele origin: germline. Affected: yes.
Comment: A variant of uncertain significance has been identified in the MYBPC3 gene. The L1030P variant has not been published as a pathogenic variant, nor has it been reported as a benign variant to our knowledge. This variant was not observed in approximately 6,400 individuals of European and African American ancestry in the NHLBI Exome Sequencing Project, and was not observed in the Exome Aggregation Consortium (ExAC), indicating it is not a common benign variant in these populations. The L1030P variant is a semi-conservative amino acid substitution, which may impact secondary protein structure as these residues differ in some properties. Furthermore, this substitution occurs at a position that is conserved across species and in silico analysis predicts this variant is probably damaging to the protein structure/function. Nevertheless, this variant has not been identified in a significant number of affected individuals, and there are no functional studies or segregation data available to clarify the role of this variant in disease. Therefore, based on the currently available information, it is unclear whether this variant is pathogenic or rare benign.

Literature cited by the submitters: PubMed 29121657 (cited by Labcorp Genetics (formerly Invitae), Labcorp).

NM_000256.3(MYBPC3):c.3089T>C (p.Leu1030Pro)

Gene: MYBPC3 (myosin binding protein C3; minus strand). Cytogenetic location: 11p11.2.
Variant type: single nucleotide variant.
Coding change: c.3089T>C on transcript NM_000256.3 (MANE Select); coding-DNA position 3089, T replaced by C.
Protein change: p.Leu1030Pro; replaces leucine 1030 with proline.
Molecular consequence: missense variant.
Genome position (GRCh38, 1-based): chr11:47,333,658, A>G on the plus strand (T>C on the coding strand, the complement: MYBPC3 is on the minus strand). VCF-style: chr11-47333658-A-G. GRCh37 (hg19) VCF-style: chr11-47355209-A-G.
Other names: p.L1030P:CTG>CCG; c.3089T>C, p.Leu1030Pro (LRG_386t1); short protein forms L1030P.
Identifiers: ClinVar variation 180999 (VCV000180999.7), dbSNP rs730880588, ClinGen allele CA013461.